The following is an entry in ClinVar:

ClinVar aggregate classification (germline): Benign. Review status: criteria provided, multiple submitters, no conflicts (2 of 4 stars). 4 submissions from 2 submitters: Benign (4). Last evaluated 2018-01-13.

Conditions:
Nephronophthisis 8. Identifiers: MedGen CN119610.
Meckel syndrome, type 5 (MKS5). Identifiers: Orphanet 564, MedGen C1969052, MONDO:0012695, OMIM 611561.
Joubert syndrome 7 (JBTS7). Identifiers: Orphanet 220497, MedGen C1969053, MONDO:0012694, OMIM 611560.

Allele frequency attached by ClinVar (database versions not stated): gnomAD exomes 0.20492; gnomAD 0.37956 and 0.38213; TOPMed 0.39493; 1000 Genomes Project 30x 0.47299; 1000 Genomes Project 0.47704.
gnomAD v4.1: 58,010 of 152,274 alleles (38%); highest among the groups gnomAD compares: African/African-American, 60%; 12,814 homozygotes.

Submissions (4):

Illumina Laboratory Services, Illumina
Classification: Benign for Joubert syndrome 7. Last evaluated: 2018-01-13. Review status: criteria provided, single submitter. Criteria: ICSL Variant Classification Criteria 13 December 2019. Collection method: clinical testing. Allele origin: germline.
Comment: This variant was observed in the ICSL laboratory as part of a predisposition screen in an ostensibly healthy population. It had not been previously curated by ICSL or reported in the Human Gene Mutation Database (HGMD: prior to June 1st, 2018), and was therefore a candidate for classification through an automated scoring system. Utilizing variant allele frequency, disease prevalence and penetrance estimates, and inheritance mode, an automated score was calculated to assess if this variant is too frequent to cause the disease. Based on the score and internal cut-off values, a variant classified as benign is not then subjected to further curation. The score for this variant resulted in a classification of benign for this disease.

Illumina Laboratory Services, Illumina
Classification: Benign for Meckel syndrome, type 5. Last evaluated: 2018-01-13. Review status: criteria provided, single submitter. Criteria: ICSL Variant Classification Criteria 13 December 2019. Collection method: clinical testing. Allele origin: germline.
Comment: the same text as in the submission from Illumina Laboratory Services, Illumina above.

Illumina Laboratory Services, Illumina
Classification: Benign for Nephronophthisis 8. Last evaluated: 2018-01-13. Review status: criteria provided, single submitter. Criteria: ICSL Variant Classification Criteria 13 December 2019. Collection method: clinical testing. Allele origin: germline.
Comment: the same text as in the submission from Illumina Laboratory Services, Illumina above.

Breakthrough Genomics
Classification: Benign. Review status: criteria provided, single submitter. Criteria: ACMG Guidelines, 2015. Collection method: not provided. Allele origin: germline. Inheritance: Autosomal recessive inheritance. Affected: yes.

NM_015272.5(RPGRIP1L):c.*737T>G

Gene: RPGRIP1L (RPGRIP1 like; minus strand). Cytogenetic location: 16q12.2.
Variant type: single nucleotide variant.
Coding change: c.*737T>G on transcript NM_015272.5 (MANE Select); 737 bases downstream of the stop codon, T replaced by G.
Molecular consequence: 3 prime UTR variant.
Genome position (GRCh38, 1-based): chr16:53,601,339, A>C on the plus strand (T>G on the coding strand, the complement: RPGRIP1L is on the minus strand). VCF-style: chr16-53601339-A-C. GRCh37 (hg19) VCF-style: chr16-53635251-A-C.
Other names: c.*737T>G (NM_001127897.4, NM_001308334.3, NM_001330538.2).
Identifiers: ClinVar variation 319634 (VCV000319634.6), dbSNP rs3760008, ClinGen allele CA10647704.